The following is an entry in ClinVar:

NM_006269.2(RP1):c.4564G>A (p.Gly1522Ser)

Gene: RP1 (RP1 axonemal microtubule associated; plus strand). Cytogenetic location: 8q12.1.
Variant type: single nucleotide variant.
Coding change: c.4564G>A on transcript NM_006269.2 (MANE Select); coding-DNA position 4564, G replaced by A.
Protein change: p.Gly1522Ser; replaces glycine 1522 with serine.
Molecular consequence: missense variant.
Genome position (GRCh38, 1-based): chr8:54,628,446, G>A. VCF-style: chr8-54628446-G-A. GRCh37 (hg19) VCF-style: chr8-55541006-G-A.
Other names: short protein forms G1522S.
Identifiers: ClinVar variation 450895 (VCV000450895.12), dbSNP rs762338185, ClinGen allele CA4751903.

ClinVar aggregate classification (germline): Uncertain significance. Review status: criteria provided, multiple submitters, no conflicts (2 of 4 stars). 4 submissions from 4 submitters: Uncertain significance (4). Last evaluated 2026-09-25.

Conditions:
RP1-related disorder. Also called: RP1-related condition.

Allele frequency attached by ClinVar (database versions not stated): ExAC 0.00003; TOPMed 0.00004; gnomAD 0.00005 and 0.00006; gnomAD exomes 0.00011.
gnomAD v4.1: 173 of 1,612,876 alleles (0.011%); highest among the groups gnomAD compares: Non-Finnish European, 0.014%; 1 homozygote.

Submissions (4):

PreventionGenetics, part of Exact Sciences
Classification: Uncertain significance for RP1-related condition. Last evaluated: 2026-09-25. Review status: criteria provided, single submitter. Criteria: ACMG Guidelines, 2015. Collection method: clinical testing. Allele origin: germline.
Comment: The RP1 c.4564G>A variant is predicted to result in the amino acid substitution p.Gly1522Ser. To our knowledge, this variant has not been reported in the literature. This variant is reported in 0.0047% of alleles in individuals of European (Non-Finnish) descent in gnomAD. At this time, the clinical significance of this variant is uncertain due to the absence of conclusive functional and genetic evidence.

Labcorp Genetics (formerly Invitae), Labcorp
Classification: Uncertain significance. Last evaluated: 2026-01-26. Review status: criteria provided, single submitter. Criteria: Invitae Variant Classification Sherloc (09022015). Collection method: clinical testing. Allele origin: germline.
Comment: This sequence change replaces glycine, which is neutral and non-polar, with serine, which is neutral and polar, at codon 1522 of the RP1 protein (p.Gly1522Ser). This variant is present in population databases (rs762338185, gnomAD 0.004%). This variant has not been reported in the literature in individuals affected with RP1-related conditions. ClinVar contains an entry for this variant (Variation ID: 450895). An algorithm developed to predict the effect of missense changes on protein structure and function outputs the following: PolyPhen-2: "Benign". The serine amino acid residue is found in multiple mammalian species, which suggests that this missense change does not adversely affect protein function. In summary, the available evidence is currently insufficient to determine the role of this variant in disease. Therefore, it has been classified as a Variant of Uncertain Significance.

Blueprint Genetics
Classification: Uncertain significance. Last evaluated: 2021-11-16. Review status: criteria provided, single submitter. Criteria: ACMG Guidelines, 2015. Collection method: clinical testing. Allele origin: germline.

GeneDx
Classification: Uncertain significance. Last evaluated: 2017-08-02. Review status: criteria provided, single submitter. Criteria: GeneDx Variant Classification (06012015). Collection method: clinical testing. Allele origin: germline. Affected: yes.
Comment: The G1522S variant in the RP1 gene has not been reported previously as a pathogenic variant, nor as a benign variant, to our knowledge. The G1522S variant is observed in 3/65720 (0.0046%) alleles from individuals of non-Finnish European background, in the ExAC dataset (Lek et al., 2016). The G1522S variant is a non-conservative amino acid substitution, which is likely to impact secondary protein structure as these residues differ in polarity, charge, size and/or other properties. This substitution occurs at a position that is not conserved. In silico analysis is inconsistent in its predictions as to whether or not the variant is damaging to the protein structure/function. We interpret G1522S as a variant of uncertain significance.